The following is an entry in ClinVar:

NM_002471.4(MYH6):c.3460G>T (p.Glu1154Ter)

Gene: MYH6 (myosin heavy chain 6; minus strand). Cytogenetic location: 14q11.2.
Variant type: single nucleotide variant.
Coding change: c.3460G>T on transcript NM_002471.4 (MANE Select); coding-DNA position 3460, G replaced by T.
Protein change: p.Glu1154Ter; replaces glutamic acid 1154 with a stop codon.
Molecular consequence: nonsense.
Genome position (GRCh38, 1-based): chr14:23,390,329, C>A on the plus strand (G>T on the coding strand, the complement: MYH6 is on the minus strand). VCF-style: chr14-23390329-C-A. GRCh37 (hg19) VCF-style: chr14-23859538-C-A.
Other names: short protein forms E1154*.
Identifiers: ClinVar variation 3370169 (VCV003370169.1).

ClinVar aggregate classification (germline): Uncertain significance (1 of 4 stars; one submission).

Submission:

GeneDx
Classification: Uncertain significance. Last evaluated: 2023-12-24. Review status: criteria provided, single submitter. Criteria: GeneDx Variant Classification Process June 2021. Collection method: clinical testing. Allele origin: germline. Affected: yes.
Comment: Not observed at significant frequency in large population cohorts (gnomAD); Nonsense variant predicted to result in protein truncation or nonsense mediated decay in a gene or region of a gene for which loss of function is not a well-established mechanism of disease; Has not been previously published as pathogenic or benign to our knowledge